The following is an entry in ClinVar:

ClinVar aggregate classification (germline): Uncertain significance. Review status: criteria provided, multiple submitters, no conflicts (2 of 4 stars). 4 submissions from 4 submitters: Uncertain significance (3). 1 of the submissions does not count toward it. Last evaluated 2025-07-31.

Conditions:
Hereditary cancer-predisposing syndrome. Also called: Neoplastic Syndromes, Hereditary; Tumor predisposition; Hereditary Cancer Syndrome; Hereditary neoplastic syndrome. Identifiers: Orphanet 140162, MedGen C0027672, MeSH D009386, MONDO:0015356.

Allele frequency attached by ClinVar (database versions not stated): gnomAD exomes below 0.00001.
gnomAD v4.1: 4 of 1,613,916 alleles (0.00025%); highest among the groups gnomAD compares: African/African-American, 0.0013%; no homozygotes.

Submissions (4):

Labcorp Genetics (formerly Invitae), Labcorp
Classification: Uncertain significance. Last evaluated: 2025-07-31. Review status: criteria provided, single submitter. Criteria: Invitae Variant Classification Sherloc (09022015). Collection method: clinical testing. Allele origin: germline.
Comment: This sequence change replaces valine, which is neutral and non-polar, with alanine, which is neutral and non-polar, at codon 184 of the CTNNA1 protein (p.Val184Ala). This variant is present in population databases (no rsID available, gnomAD no frequency). This variant has not been reported in the literature in individuals affected with CTNNA1-related conditions. ClinVar contains an entry for this variant (Variation ID: 648405). Invitae Evidence Modeling of protein sequence and biophysical properties (such as structural, functional, and spatial information, amino acid conservation, physicochemical variation, residue mobility, and thermodynamic stability) indicates that this missense variant is not expected to disrupt CTNNA1 protein function with a negative predictive value of 80%. In summary, the available evidence is currently insufficient to determine the role of this variant in disease. Therefore, it has been classified as a Variant of Uncertain Significance.

Ambry Genetics
Classification: Uncertain significance for Hereditary cancer-predisposing syndrome. Last evaluated: 2022-08-09. Review status: criteria provided, single submitter. Criteria: Ambry Variant Classification Scheme 2023. Collection method: clinical testing. Allele origin: germline.
Comment: The p.V184A variant (also known as c.551T>C), located in coding exon 4 of the CTNNA1 gene, results from a T to C substitution at nucleotide position 551. The valine at codon 184 is replaced by alanine, an amino acid with similar properties. This amino acid position is well conserved in available vertebrate species. In addition, the in silico prediction for this alteration is inconclusive. The evidence for this gene-disease relationship is limited; therefore, the clinical significance of this alteration is unclear.

GeneDx
Classification: Uncertain significance. Last evaluated: 2022-07-05. Review status: criteria provided, single submitter. Criteria: GeneDx Variant Classification Process June 2021. Collection method: clinical testing. Allele origin: germline. Affected: yes.
Comment: Not observed at significant frequency in large population cohorts (gnomAD); In silico analysis supports that this missense variant does not alter protein structure/function; Identified in individuals undergoing multigene panel testing, however personal and family history of cancer was not provided (Clark 2020); This variant is associated with the following publications: (PMID: 32051609)

Department of Pathology and Laboratory Medicine, Sinai Health System
Classification: Uncertain significance. Review status: no assertion criteria provided. Collection method: clinical testing. Allele origin: unknown. Affected: yes. Study: The Canadian Open Genetics Repository (COGR). Not counted in ClinVar's aggregate classification.
Comment: The CTNNA1 p.Val184Ala variant was not identified in the literature nor was it identified in ClinVar, Cosmic, LOVD 3.0 or in the following control databases: the 1000 Genomes Project, the NHLBI GO Exome Sequencing Project, the Exome Aggregation Consortium (August 8th 2016), or the Genome Aggregation Database (Feb 27, 2017). The p.Val184 residue is conserved in mammals but not in more distantly related organisms however four out of five computational analyses (PolyPhen-2, SIFT, AlignGVGD, BLOSUM) do not suggest a high likelihood of impact to the protein; this information is not predictive enough to rule out pathogenicity. The variant occurs outside of the splicing consensus sequence and in silico or computational prediction software programs (SpliceSiteFinder, MaxEntScan, NNSPLICE, GeneSplicer) do not predict a difference in splicing. In summary, based on the above information the clinical significance of this variant cannot be determined with certainty at this time. This variant is classified as a variant of uncertain significance.

NM_001903.5(CTNNA1):c.551T>C (p.Val184Ala)

Gene: CTNNA1 (catenin alpha 1; plus strand). Cytogenetic location: 5q31.2.
Variant type: single nucleotide variant.
Coding change: c.551T>C on transcript NM_001903.5 (MANE Select); coding-DNA position 551, T replaced by C.
Protein change: p.Val184Ala; replaces valine 184 with alanine.
Molecular consequence: missense variant.
Genome position (GRCh38, 1-based): chr5:138,812,265, T>C. VCF-style: chr5-138812265-T-C. GRCh37 (hg19) VCF-style: chr5-138147954-T-C.
Other names: c.551T>C, p.Val184Ala (NM_001290307.3, NM_001323982.2, NM_001323983.1 and 3 more transcripts); c.242T>C, p.Val81Ala (NM_001290309.3); c.182T>C, p.Val61Ala (NM_001290310.3); short protein forms V81A, V184A, V61A.
Identifiers: ClinVar variation 648405 (VCV000648405.11), dbSNP rs1448027258, ClinGen allele CA361125457.
Genomic context (GRCh38, chr5:138,812,265, plus strand): 5'-TGAGGAATGCTGGCAATGAACAAGACTTAGGAATCCAGTATAAAGCCCTAAAACCTGAAG[T>C]GGATAAGCTGAACATTATGGCAGCCAAAAGACAACAGGTACAGTCATGATTTGGGGATAT-3'
Protein context (NP_001894.2, residues 174-194): GIQYKALKPE[Val184Ala]DKLNIMAAKR